The following is an entry in ClinVar:

ClinVar aggregate classification (germline): Likely benign (1 of 4 stars; one submission).

Allele frequency attached by ClinVar (database versions not stated): ExAC 0.00010; ESP Exome Variant Server 0.00019; 1000 Genomes Project 30x 0.00021; gnomAD 0.00021; TOPMed 0.00022; 1000 Genomes Project 0.00026; gnomAD exomes 0.00035.
gnomAD v4.1: 404 of 1,206,594 alleles (0.033%); highest among the groups gnomAD compares: Non-Finnish European, 0.043%; no homozygotes.

Submission:

CeGaT Center for Human Genetics Tuebingen
Classification: Likely benign. Last evaluated: 2023-01-01. Review status: criteria provided, single submitter. Criteria: CeGaT Center For Human Genetics Tuebingen Variant Classification Criteria Version 2. Collection method: clinical testing. Allele origin: germline. Affected: yes. Observed: 1 variant allele.
Comment: TMEM164: BP4, BS2

NM_032227.4(TMEM164):c.555C>T (p.Tyr185=)

Gene: TMEM164 (transmembrane protein 164; plus strand). Cytogenetic location: Xq23.
Variant type: single nucleotide variant.
Coding change: c.555C>T on transcript NM_032227.4 (MANE Select); coding-DNA position 555, C replaced by T.
Protein change: p.Tyr185=; no amino-acid change (tyrosine 185 retained).
Molecular consequence: synonymous variant.
Genome position (GRCh38, 1-based): chrX:110,144,845, C>T. VCF-style: chrX-110144845-C-T. GRCh37 (hg19) VCF-style: chrX-109388073-C-T.
Other names: c.555C>T, p.Tyr185= (NM_001353849.2); c.174C>T, p.Tyr58= (NM_001353850.2, NM_001353851.2); c.438C>T, p.Tyr146= (NM_001410717.1); c.108C>T, p.Tyr36= (NM_017698.3).
Identifiers: ClinVar variation 2661188 (VCV002661188.24), dbSNP rs180695468, ClinGen allele CA10491383.
Genomic context (GRCh38, chrX:110,144,845, plus strand): 5'-CCTATCCTCACAGCTCCCCTTTGAATTGGAGATTTACTACATTCAGCATGTTATGCTCTA[C>T]GTGGTACCCATCTACCTGCTTTGGAAAGGAGGTAAGGCCAGCAAACCACATTCCTATGTA-3'
Protein context (NP_115603.2, residues 175-195): EIYYIQHVML[Tyr185=]VVPIYLLWKG